The following is an entry in ClinVar:

NM_032520.5(GNPTG):c.490_493dup (p.Thr165fs)

Gene: GNPTG (N-acetylglucosamine-1-phosphate transferase subunit gamma; plus strand). Cytogenetic location: 16p13.3.
Variant type: Microsatellite.
Coding change: c.490_493dup on transcript NM_032520.5 (MANE Select); coding-DNA positions 490 to 493, 4 bases duplicated (GAGA; older notation c.490_493dupGAGA).
Protein change: p.Thr165fs; shifts the reading frame from threonine 165.
Molecular consequence: frameshift variant.
Genome position (GRCh38, 1-based): chr16:1,362,284-1,362,287, GAGA duplicated. VCF-style (leftmost placement, unchanged base first): chr16-1362283-C-CGAGA. GRCh37 (hg19) VCF-style: chr16-1412284-C-CGAGA.
Other names: short protein forms T165fs.
Identifiers: ClinVar variation 4816337 (VCV004816337.1).

ClinVar aggregate classification (germline): Likely pathogenic (1 of 4 stars; one submission).

Conditions:
GNPTG-mucolipidosis. Also called: ML III GAMMA; ML IIIC; MUCOLIPIDOSIS III, COMPLEMENTATION GROUP C; MUCOLIPIDOSIS III, IRANIAN VARIANT FORM; MUCOLIPIDOSIS III, VARIANT FORM; Mucolipidosis type III gamma. Identifiers: Orphanet 423470, Orphanet 577, MedGen C1854896, MONDO:0009652, OMIM 252605.

Submission:

Natera, Inc.
Classification: Likely pathogenic for Mucolipidosis III gamma. Last evaluated: 2024-08-06. Review status: criteria provided, single submitter. Criteria: Natera Variant Classification Schema (03/2026). Collection method: clinical testing. Allele origin: germline.
Comment: The c.490_493dup variant in GNPTG is a frameshift variant predicted to shift the reading frame beginning at codon 165 and leads to a stop codon 35 codons downstream. This variant is expected to result in nonsense mediated decay, truncation, or a dysfunctional protein product. This variant is rare in the general population with a frequency below the threshold expected for the associated phenotype(s). Given the available evidence, this variant is classified as Likely Pathogenic.